The following is an entry in ClinVar:

ClinVar aggregate classification (germline): Uncertain significance (1 of 4 stars; one submission).

Submission:

GeneDx
Classification: Uncertain significance. Last evaluated: 2026-03-27. Review status: criteria provided, single submitter. Criteria: GeneDx Variant Classification Process June 2021. Collection method: clinical testing. Allele origin: germline.
Comment: Not observed at significant frequency in large population cohorts (gnomAD); In silico analysis suggests that this missense variant does not alter protein structure/function; Has not been previously published as pathogenic or benign to our knowledge

NM_021096.4(CACNA1I):c.2578A>C (p.Ile860Leu)

Gene: CACNA1I (calcium voltage-gated channel subunit alpha1 I; plus strand). Cytogenetic location: 22q13.1.
Variant type: single nucleotide variant.
Coding change: c.2578A>C on transcript NM_021096.4 (MANE Select); coding-DNA position 2578, A replaced by C.
Protein change: p.Ile860Leu; replaces isoleucine 860 with leucine.
Molecular consequence: missense variant.
Genome position (GRCh38, 1-based): chr22:39,659,826, A>C. VCF-style: chr22-39659826-A-C. GRCh37 (hg19) VCF-style: chr22-40055831-A-C.
Other names: c.2473A>C, p.Ile825Leu (NM_001003406.2); short protein forms I825L, I860L.
Identifiers: ClinVar variation 5017262 (VCV005017262.1).